The following is an entry in ClinVar:

NM_020831.6(MRTFA):c.2836C>G (p.Gln946Glu)

Gene: MRTFA (myocardin related transcription factor A; minus strand). Cytogenetic location: 22q13.1.
Variant type: single nucleotide variant.
Coding change: c.2836C>G on transcript NM_020831.6 (MANE Select); coding-DNA position 2836, C replaced by G.
Protein change: p.Gln946Glu; replaces glutamine 946 with glutamic acid.
Molecular consequence: missense variant. On other transcripts: 3 prime UTR variant (1).
Genome position (GRCh38, 1-based): chr22:40,411,650, G>C on the plus strand (C>G on the coding strand, the complement: MRTFA is on the minus strand). VCF-style: chr22-40411650-G-C. GRCh37 (hg19) VCF-style: chr22-40807654-G-C.
Other names: c.2536C>G, p.Gln846Glu (NM_001282660.2); c.2686C>G, p.Gln896Glu (NM_001282661.3); c.*149C>G (NM_001282662.3); c.2641C>G, p.Gln881Glu (NM_001318139.2); short protein forms Q846E, Q881E, Q896E, Q946E.
Identifiers: ClinVar variation 1007834 (VCV001007834.8), dbSNP rs2052542186, ClinGen allele CA411652461.
Genomic context (GRCh38, chr22:40,411,650, plus strand): 5'-ATTCCGAGGTGTCCATGGGTGACGGGGGGTGGTCCAGGATGGCAGTGCTGCTCAGCATCT[G>C]GCTATGGAGGTCGTCAATGAGGGAAAGGGGCTCTGGCCCGTCATGCCCACTGGTCAGCAG-3'
Protein context (NP_065882.2, residues 936-956): PLSLIDDLHS[Gln946Glu]MLSSTAILDH

ClinVar aggregate classification (germline): Uncertain significance (1 of 4 stars; one submission).

Submission:

Labcorp Genetics (formerly Invitae), Labcorp
Classification: Uncertain significance. Last evaluated: 2022-08-22. Review status: criteria provided, single submitter. Criteria: Invitae Variant Classification Sherloc (09022015). Collection method: clinical testing. Allele origin: germline.
Comment: In summary, the available evidence is currently insufficient to determine the role of this variant in disease. Therefore, it has been classified as a Variant of Uncertain Significance. Algorithms developed to predict the effect of missense changes on protein structure and function are either unavailable or do not agree on the potential impact of this missense change (SIFT: "Tolerated"; PolyPhen-2: "Possibly Damaging"; Align-GVGD: "Class C0"). ClinVar contains an entry for this variant (Variation ID: 1007834). This variant has not been reported in the literature in individuals affected with MKL1-related conditions. This variant is not present in population databases (gnomAD no frequency). This sequence change replaces glutamine, which is neutral and polar, with glutamic acid, which is acidic and polar, at codon 846 of the MKL1 protein (p.Gln846Glu).